The following is an entry in ClinVar:

NM_032119.4(ADGRV1):c.10266C>G (p.Ala3422=)

Gene: ADGRV1 (adhesion G protein-coupled receptor V1; plus strand). Cytogenetic location: 5q14.3.
Variant type: single nucleotide variant.
Coding change: c.10266C>G on transcript NM_032119.4 (MANE Select); coding-DNA position 10266, C replaced by G.
Protein change: p.Ala3422=; no amino-acid change (alanine 3422 retained).
Molecular consequence: synonymous variant. On other transcripts: non-coding transcript variant (1).
Genome position (GRCh38, 1-based): chr5:90,728,773, C>G. VCF-style: chr5-90728773-C-G. GRCh37 (hg19) VCF-style: chr5-90024590-C-G.
Other names: c.10266C>G (NM_032119.3).
Identifiers: ClinVar variation 2963529 (VCV002963529.5), dbSNP rs775781882, ClinGen allele CA122809801.

ClinVar aggregate classification (germline): Likely benign. Review status: criteria provided, single submitter (1 of 4 stars). 2 submissions from 2 submitters: Likely benign (1). 1 of the submissions does not count toward it. Last evaluated 2023-09-19.

Conditions:
ADGRV1-related disorder. Also called: ADGRV1-related condition; ADGRV1-related disorders.

Allele frequency attached by ClinVar (database versions not stated): TOPMed below 0.00001; gnomAD 0.00001; gnomAD exomes 0.00002.
gnomAD v4.1: 10 of 1,613,854 alleles (0.00062%); highest among the groups gnomAD compares: Admixed American, 0.005%; no homozygotes.

Submissions (2):

Labcorp Genetics (formerly Invitae), Labcorp
Classification: Likely benign. Last evaluated: 2023-09-19. Review status: criteria provided, single submitter. Criteria: Invitae Variant Classification Sherloc (09022015). Collection method: clinical testing. Allele origin: germline.

PreventionGenetics, part of Exact Sciences
Classification: Likely benign for ADGRV1-related condition. Last evaluated: 2020-07-30. Review status: no assertion criteria provided. Collection method: clinical testing. Allele origin: germline. Not counted in ClinVar's aggregate classification.
Comment: This variant is classified as likely benign based on ACMG/AMP sequence variant interpretation guidelines (Richards et al. 2015 PMID: 25741868, with internal and published modifications).